The following is an entry in ClinVar:

NM_130384.3(ATRIP):c.1545C>G (p.His515Gln)

Genes: ATRIP (ATR interacting protein; plus strand), ATRIP-TREX1 (ATRIP-TREX1 readthrough; plus strand). Cytogenetic location: 3p21.31.
Variant type: single nucleotide variant.
Coding change: c.1545C>G on transcript NM_130384.3 (MANE Select); coding-DNA position 1545, C replaced by G.
Protein change: p.His515Gln; replaces histidine 515 with glutamine.
Molecular consequence: missense variant. On other transcripts: non-coding transcript variant (1).
Genome position (GRCh38, 1-based): chr3:48,460,599, C>G. VCF-style: chr3-48460599-C-G. GRCh37 (hg19) VCF-style: chr3-48501998-C-G.
Other names: c.1164C>G, p.His388Gln (NM_001271022.2); c.1266C>G, p.His422Gln (NM_001271023.2); c.1545C>G, p.His515Gln (NM_032166.4); short protein forms H515Q, H388Q, H422Q.
Identifiers: ClinVar variation 4826276 (VCV004826276.1).

ClinVar aggregate classification (germline): Uncertain significance (1 of 4 stars; one submission).

Submission:

Ambry Genetics
Classification: Uncertain significance. Last evaluated: 2026-03-07. Review status: criteria provided, single submitter. Criteria: Ambry Variant Classification Scheme 2023. Collection method: clinical testing. Allele origin: germline.
Comment: The p.H515Q variant (also known as c.1545C>G), located in coding exon 8 of the ATRIP gene, results from a C to G substitution at nucleotide position 1545. The histidine at codon 515 is replaced by glutamine, an amino acid with highly similar properties. This amino acid position is conserved. In addition, this alteration is predicted to be tolerated by in silico analysis. Based on the available evidence, the clinical significance of this variant remains unclear.